The following is an entry in ClinVar:

ClinVar aggregate classification (germline): Uncertain significance (1 of 4 stars; one submission).

Allele frequency attached by ClinVar (database versions not stated): gnomAD exomes below 0.00001; ExAC 0.00001; gnomAD 0.00001; TOPMed 0.00001.

Submission:

Labcorp Genetics (formerly Invitae), Labcorp
Classification: Uncertain significance. Last evaluated: 2023-04-06. Review status: criteria provided, single submitter. Criteria: Invitae Variant Classification Sherloc (09022015). Collection method: clinical testing. Allele origin: germline.
Comment: In summary, the available evidence is currently insufficient to determine the role of this variant in disease. Therefore, it has been classified as a Variant of Uncertain Significance. Algorithms developed to predict the effect of sequence changes on RNA splicing suggest that this variant is not likely to affect RNA splicing. This variant has not been reported in the literature in individuals affected with CSF2RB-related conditions. This variant is present in population databases (rs753939956, gnomAD 0.007%). This sequence change affects codon 337 of the CSF2RB mRNA. It is a 'silent' change, meaning that it does not change the encoded amino acid sequence of the CSF2RB protein. It affects a nucleotide within the consensus splice site.

NM_000395.3(CSF2RB):c.1011C>T (p.Asn337=)

Gene: CSF2RB (colony stimulating factor 2 receptor subunit beta; plus strand). Cytogenetic location: 22q12.3.
Variant type: single nucleotide variant.
Coding change: c.1011C>T on transcript NM_000395.3 (MANE Select); coding-DNA position 1011, C replaced by T.
Protein change: p.Asn337=; no amino-acid change (asparagine 337 retained).
Molecular consequence: synonymous variant.
Genome position (GRCh38, 1-based): chr22:36,930,829, C>T. VCF-style: chr22-36930829-C-T. GRCh37 (hg19) VCF-style: chr22-37326871-C-T.
Other names: c.1029C>T, p.Asn343= (NM_001410827.1).
Identifiers: ClinVar variation 2805226 (VCV002805226.3), dbSNP rs753939956, ClinGen allele CA10213662.
Genomic context (GRCh38, chr22:36,930,829, plus strand): 5'-CCAATACATCGTCTCTGTTCAGCCAAGGAGGGCAGAGAAACACATAAAGAGCTCAGTGAA[C>T]AGTGAGTTTGCTCCTAGCCCGCTGTGGGGATGGTCTGGGACCAGCACACCCTCATTGTGT-3'
Protein context (NP_000386.1, residues 327-347): RAEKHIKSSV[Asn337=]IQMAPPSLNV